The following is an entry in ClinVar:

ClinVar aggregate classification (germline): Uncertain significance (1 of 4 stars; one submission).

Conditions:
Neuropathy, hereditary sensory, type 1F. Also called: HSN IF; Hereditary sensory neuropathy type IF. Identifiers: Orphanet 36386, MedGen C3810194, MONDO:0014286, OMIM 615632.

Allele frequency attached by ClinVar (database versions not stated): gnomAD exomes 0.00001.
gnomAD v4.1: 7 of 1,610,192 alleles (0.00043%); highest among the groups gnomAD compares: Non-Finnish European, 0.00059%; no homozygotes.

Submission:

Labcorp Genetics (formerly Invitae), Labcorp
Classification: Uncertain significance for Neuropathy, hereditary sensory, type 1F. Last evaluated: 2023-10-20. Review status: criteria provided, single submitter. Criteria: Invitae Variant Classification Sherloc (09022015). Collection method: clinical testing. Allele origin: germline.
Comment: This sequence change affects codon 272 of the ATL3 mRNA. It is a 'silent' change, meaning that it does not change the encoded amino acid sequence of the ATL3 protein. This variant is not present in population databases (gnomAD no frequency). This variant has not been reported in the literature in individuals affected with ATL3-related conditions. Algorithms developed to predict the effect of sequence changes on RNA splicing suggest that this variant may create or strengthen a splice site. In summary, the available evidence is currently insufficient to determine the role of this variant in disease. Therefore, it has been classified as a Variant of Uncertain Significance.

NM_015459.5(ATL3):c.816G>A (p.Val272=)

Genes: ATL3 (atlastin GTPase 3; minus strand), LNCROPM (lncRNA regulator of PLAAT3 mediated phospholipid metabolism; plus strand). Cytogenetic location: 11q13.1.
Variant type: single nucleotide variant.
Coding change: c.816G>A on transcript NM_015459.5 (MANE Select); coding-DNA position 816, G replaced by A.
Protein change: p.Val272=; no amino-acid change (valine 272 retained).
Molecular consequence: synonymous variant.
Genome position (GRCh38, 1-based): chr11:63,643,391, C>T on the plus strand (G>A on the coding strand, the complement: ATL3 is on the minus strand). VCF-style: chr11-63643391-C-T. GRCh37 (hg19) VCF-style: chr11-63410863-C-T.
Other names: c.762G>A, p.Val254= (NM_001290048.2).
Identifiers: ClinVar variation 2876036 (VCV002876036.3), dbSNP rs2495654413, ClinGen allele CA474903435.